The following is an entry in ClinVar:

NM_000540.3(RYR1):c.487C>T (p.Arg163Cys)

Gene: RYR1 (ryanodine receptor 1; plus strand). Cytogenetic location: 19q13.2.
Variant type: single nucleotide variant.
Coding change: c.487C>T on transcript NM_000540.3 (MANE Select); coding-DNA position 487, C replaced by T.
Protein change: p.Arg163Cys; replaces arginine 163 with cysteine.
Molecular consequence: missense variant.
Genome position (GRCh38, 1-based): chr19:38,444,211, C>T. VCF-style: chr19-38444211-C-T. GRCh37 (hg19) VCF-style: chr19-38934851-C-T.
Other names: NM_000540.3(RYR1):c.487C>T; c.487C>T, p.Arg163Cys (NM_001042723.2); short protein forms R163C.
Identifiers: ClinVar variation 12967 (VCV000012967.35), dbSNP rs118192161, ClinGen allele CA018598.

ClinVar aggregate classification (germline): Pathogenic; drug response. Review status: reviewed by expert panel (3 of 4 stars). 22 submissions from 15 submitters: Pathogenic (1). 14 of the submissions do not count toward it. Last evaluated 2022-03-29.

Conditions:
RYR1-related disorder. Also called: RYR1-related condition; RYR1-related disorders. Identifiers: MedGen CN239331.
Inborn genetic diseases. Identifiers: MedGen C0950123, MeSH D030342.
Malignant hyperthermia of anesthesia. Also called: Anesthesic-triggered malignant hyperthermia. Identifiers: Orphanet 423, MedGen C0024591, MONDO:0018493, HP:0034733.
Malignant hyperthermia, susceptibility to, 1 (MHS1). Also called: Anesthesia related hyperthermia; Malignant hyperpyrexia; Fulminating hyperpyrexia; Pharmacogenic myopathy; RYR1-Related Malignant Hyperthermia Susceptibility; Malignant hyperthermia suceptibility 1. Identifiers: Orphanet 423, MedGen C2930980, MONDO:0007783, OMIM 145600.
Central core myopathy (CMYO1A). Also called: CONGENITAL MYOPATHY 1A, AUTOSOMAL DOMINANT, WITH SUSCEPTIBILITY TO MALIGNANT HYPERTHERMIA; Central core disease; Myopathy, central fibrillar. Identifiers: Orphanet 597, MedGen C5830701, MONDO:0007294, OMIM 117000.
succinylcholine response - Toxicity.
isoflurane response - Toxicity.
methoxyflurane response - Toxicity.
sevoflurane response - Toxicity.
desflurane response - Toxicity.
enflurane response - Toxicity.
halothane response - Toxicity.

Allele frequency attached by ClinVar (database versions not stated): TOPMed below 0.00001; gnomAD exomes below 0.00001.

Submissions 1 to 10 of 22:

ClinGen Malignant Hyperthermia Susceptibility Variant Curation Expert Panel, ClinGen
Classification: Pathogenic for Malignant hyperthermia, susceptibility to, 1. Last evaluated: 2022-03-29. Review status: reviewed by expert panel. Criteria: ClinGen MHS ACMG Specifications V2. Collection method: curation. Allele origin: germline. Inheritance: Autosomal dominant inheritance.
Comment: This pathogenicity assessment is relevant only for malignant hyperthermia susceptibility (MHS) inherited in an autosomal dominant pattern. Variants in RYR1 can also cause other myopathies inherited in an autosomal dominant pattern or in an autosomal recessive pattern. Some of these disorders may predispose individuals to malignant hyperthermia. RYR1 variants may also contribute to a malignant hyperthermia reaction in combination with other genetic and non-genetic factors and the clinician needs to consider such factors in making management decisions. This sequence variant predicts a substitution of arginine with cysteine at codon 163 of the RYR1 protein p.(Arg163Cys). This variant is not present in a large population databases (gnomAD). This variant has been reported in over 40 unrelated individuals who have a personal or family history of a malignant hyperthermia reaction and a positive in vitro contracture test (IVCT) or caffeine halothane contracture test (CHCT) result (when the proband was unavailable for testing a positive diagnostic test result in a mutation positive relative was counted), PS4 (PMID:30236257, PMID:12151923, PMID:16163667, PMID:8220423, PMID:11575529, PMID:12059893, PMID:23558838 and others). This variant has been identified in 1 individual with negative IVCT/CHCT results, BS2_Moderate (PMID:30236257). Functional studies in HEK293 cells show an increased sensitivity to RYR1 agonists. A knock-in mouse model supports pathogenicity of this variant demonstrating a malignant hyperthermia reaction in response to agonist, as well ex vivo studies show increased response to agonist with increased calcium release, PS3 (PMID:20461000, PMID:9334205, PMID:17122579). Another variant assessed as likely pathogenic occurs at this codon, p.(Arg163Leu), PM5_Supporting. This variant resides in a region of RYR1 considered to be a hotspot for pathogenic variants that contribute to MHS, use PM1_Supporting to avoid overweighting with PM5 (PMID: 21118704). This variant segregates with MHS over seven individuals, PP1_Strong (PMID:30236257, PMID:12059893, PMID:7889656). A REVEL score > 0.85 (0.959) supports pathogenicity, PP3_Moderate. Based on using Bayes to combine criteria this variant is assessed as Pathogenic, (PMID: 29300386). Criteria implemented: PS4, PS3, PM1_Supporting, PM5_Supporting, PP1_Strong, PP3_Moderate, BS2_Moderate.

ClinPGx
Classification: drug response for sevoflurane response - Toxicity. Last evaluated: 2021-03-24. Review status: reviewed by expert panel. Criteria: Pharmacogenomics knowledge for personalized medicine. Collection method: curation. Allele origin: germline. Affected: yes.
Comment: PharmGKB Level of Evidence 1A: Level 1A clinical annotations describe variant-drug combinations that have variant-specific prescribing guidance available in a current clinical guideline annotation or an FDA-approved drug label annotation. Annotations of drug labels or clinical guidelines must give prescribing guidance for specific variants (e.g. CYP2C9*3, HLA-B*57:01) or provide mapping from defined allele functions to diplotypes and phenotypes to be used as supporting evidence for a level 1A clinical annotation. Level 1A clinical annotations must also be supported by at least one publication in addition to a clinical guideline or drug label with variant-specific prescribing guidance.

Drug is not necessarily used to treat response condition

ClinPGx
Classification: drug response for succinylcholine response - Toxicity. Last evaluated: 2021-03-24. Review status: reviewed by expert panel. Criteria: Pharmacogenomics knowledge for personalized medicine. Collection method: curation. Allele origin: germline. Affected: yes.
Comment: the same text as in the submission from ClinPGx above.

ClinPGx
Classification: drug response for desflurane response - Toxicity. Last evaluated: 2021-03-24. Review status: reviewed by expert panel. Criteria: Pharmacogenomics knowledge for personalized medicine. Collection method: curation. Allele origin: germline. Affected: yes.
Comment: the same text as in the submission from ClinPGx above.

ClinPGx
Classification: drug response for enflurane response - Toxicity. Last evaluated: 2021-03-24. Review status: reviewed by expert panel. Criteria: Pharmacogenomics knowledge for personalized medicine. Collection method: curation. Allele origin: germline. Affected: yes.
Comment: the same text as in the submission from ClinPGx above.

ClinPGx
Classification: drug response for halothane response - Toxicity. Last evaluated: 2021-03-24. Review status: reviewed by expert panel. Criteria: Pharmacogenomics knowledge for personalized medicine. Collection method: curation. Allele origin: germline. Affected: yes.
Comment: the same text as in the submission from ClinPGx above.

ClinPGx
Classification: drug response for isoflurane response - Toxicity. Last evaluated: 2021-03-24. Review status: reviewed by expert panel. Criteria: Pharmacogenomics knowledge for personalized medicine. Collection method: curation. Allele origin: germline. Affected: yes.
Comment: the same text as in the submission from ClinPGx above.

ClinPGx
Classification: drug response for methoxyflurane response - Toxicity. Last evaluated: 2021-03-24. Review status: reviewed by expert panel. Criteria: Pharmacogenomics knowledge for personalized medicine. Collection method: curation. Allele origin: germline. Affected: yes.
Comment: the same text as in the submission from ClinPGx above.

Ambry Genetics
Classification: Pathogenic for Inborn genetic diseases. Last evaluated: 2026-07-22. Review status: criteria provided, single submitter. Criteria: Ambry Variant Classification Scheme 2023. Collection method: clinical testing. Allele origin: germline. Not counted in ClinVar's aggregate classification.
Comment: The c.487C>T (p.R163C) alteration is located in exon 6 (coding exon 6) of the RYR1 gene. This alteration results from a C to T substitution at nucleotide position 487, causing the arginine (R) at amino acid position 163 to be replaced by a cysteine (C). This variant was not reported in population-based cohorts in the Genome Aggregation Database (gnomAD). This variant was reported in individual(s) with features consistent with RYR1-related malignant hyperthermia susceptibility (Sambuughin, 2001; Rueffert, 2002; Brandom, 2013; Miller, 2018). Other variant(s) at the same codon, c.488G>T (p.R163L) have been identified in individual(s) with features consistent with RYR1-related malignant hyperthermia susceptibility (Monnier, 2005; Miller, 2018; Klincov&aacute;, 2022). This amino acid position is highly conserved in available vertebrate species. In multiple assays testing RYR1 function, this variant showed functionally abnormal results (Tong, 1997; Sato, 2010). An animal model expressing this variant exhibited phenotype(s) consistent with RYR1-related disease (Yang, 2006). This alteration is predicted to be deleterious by in silico analysis. Based on the available evidence, this alteration is classified as pathogenic.

PreventionGenetics, part of Exact Sciences
Classification: Pathogenic for RYR1-related condition. Last evaluated: 2026-02-16. Review status: criteria provided, single submitter. Criteria: ACMG Guidelines, 2015. Collection method: clinical testing. Allele origin: germline. Not counted in ClinVar's aggregate classification.
Comment: The RYR1 c.487C>T variant is predicted to result in the amino acid substitution p.Arg163Cys. This variant has been reported in many individuals and families with malignant hyperthermia (MH) (O'Brien et al. 1995. PubMed ID: 8592342; Carpenter et al. 2009. PubMed ID: 19648156; Broman et al. 2011. PubMed ID: 21965348). This variant has also been observed in patients with autosomal dominant RYR1-related myopathy and is noted to present with a wide phenotypic spectrum within the same family (Pedigree 2T, Quane et al. 1993. PubMed ID: 8220423; Family 3 in Fusto et al. 2022. PubMed ID: 35428369). A knock-in mouse model and studies in HEK293 cells support the pathogenicity of this variant for MH (Yang et al. 2006. PubMed ID: 17122579; Sato K. et al. 2013. PubMed ID: 23459219). Exon 6 is a hotspot for MH pathogenic variants in the RYR1 gene and the the Malignant Hyperthermia Susceptibility Variant Curation Expert Panel classifies this variant as pathogenic in ClinVar (ClinVar ID: 12967). This variant is interpreted as pathogenic for autosomal dominant malignant hyperthermia and autosomal dominant RYR1-related myopathy.